The following is an entry in ClinVar:

NM_001267550.2(TTN):c.73234C>T (p.Leu24412Phe)

Genes: TTN (titin; minus strand), TTN-AS1 (TTN antisense RNA 1; plus strand). Cytogenetic location: 2q31.2.
Variant type: single nucleotide variant.
Coding change: c.73234C>T on transcript NM_001267550.2 (MANE Select); coding-DNA position 73234, C replaced by T.
Protein change: p.Leu24412Phe; replaces leucine 24412 with phenylalanine.
Molecular consequence: missense variant.
Genome position (GRCh38, 1-based): chr2:178,572,898, G>A on the plus strand (C>T on the coding strand, the complement: TTN is on the minus strand). VCF-style: chr2-178572898-G-A. GRCh37 (hg19) VCF-style: chr2-179437625-G-A.
Other names: c.68311C>T, p.Leu22771Phe (NM_001256850.1); c.46039C>T, p.Leu15347Phe (NM_003319.4); c.65530C>T, p.Leu21844Phe (NM_133378.4); c.46414C>T, p.Leu15472Phe (NM_133432.3); c.46615C>T, p.Leu15539Phe (NM_133437.4); short protein forms L15539F, L15347F, L24412F, L15472F, L21844F, L22771F.
Identifiers: ClinVar variation 1741832 (VCV001741832.2), dbSNP rs2468559641, ClinGen allele CA349643123.
Genomic context (GRCh38, chr2:178,572,898, plus strand): 5'-CATCCAGTTCAATTTCTGGAGGCAGCATTCTGTCTTCAGCCTTTGGAGTTCCAGGAACAA[G>A]GGCAGGTTCCCCAAGTCCTTCGGAATTCATGGCATAGATGCGGATCTTATATTCCTGATT-3'
Protein context (NP_001254479.2, residues 24402-24422): MNSEGLGEPA[Leu24412Phe]VPGTPKAEDR

ClinVar aggregate classification (germline): Uncertain significance (1 of 4 stars; one submission).

Conditions:
Cardiovascular phenotype. Identifiers: MedGen CN230736.

Submission:

Ambry Genetics
Classification: Uncertain significance for Cardiovascular phenotype. Last evaluated: 2017-12-12. Review status: criteria provided, single submitter. Criteria: Ambry Variant Classification Scheme 2023. Collection method: clinical testing. Allele origin: germline.
Comment: The p.L15347F variant (also known as c.46039C>T), located in coding exon 153 of the TTN gene, results from a C to T substitution at nucleotide position 46039. The leucine at codon 15347 is replaced by phenylalanine, an amino acid with highly similar properties. This amino acid position is not well conserved in available vertebrate species. In addition, this alteration is predicted to be benign and damaging by PolyPhen and SIFT in silico analyses, respectively. Since supporting evidence is limited at this time, the clinical significance of this alteration remains unclear.